The following is an entry in ClinVar:

NM_001162501.2(TNRC6B):c.2505G>A (p.Glu835=)

Gene: TNRC6B (trinucleotide repeat containing adaptor 6B; plus strand). Cytogenetic location: 22q13.1.
Variant type: single nucleotide variant.
Coding change: c.2505G>A on transcript NM_001162501.2 (MANE Select); coding-DNA position 2505, G replaced by A.
Protein change: p.Glu835=; no amino-acid change (glutamic acid 835 retained).
Molecular consequence: synonymous variant. On other transcripts: intron variant (1).
Genome position (GRCh38, 1-based): chr22:40,266,735, G>A. VCF-style: chr22-40266735-G-A. GRCh37 (hg19) VCF-style: chr22-40662739-G-A.
Other names: c.2505G>A, p.Glu835= (NM_015088.3); c.566-3387G>A (NM_001024843.2).
Identifiers: ClinVar variation 3905237 (VCV003905237.10).

ClinVar aggregate classification (germline): Likely benign (1 of 4 stars; one submission).

Submission:

CeGaT Center for Human Genetics Tuebingen
Classification: Likely benign. Last evaluated: 2026-04-01. Review status: criteria provided, single submitter. Criteria: CeGaT Center For Human Genetics Tuebingen Variant Classification Criteria Version 2. Collection method: clinical testing. Allele origin: germline. Affected: yes. Observed: 5 variant alleles.
Comment: TNRC6B: PM2:Supporting, BP4, BP7